The following is an entry in ClinVar:

NM_020366.4(RPGRIP1):c.3094_3095insT (p.Pro1032fs)

Gene: RPGRIP1 (RPGR interacting protein 1; plus strand). Cytogenetic location: 14q11.2.
Variant type: Insertion.
Coding change: c.3094_3095insT on transcript NM_020366.4 (MANE Select); coding-DNA positions 3094 to 3095, T inserted.
Protein change: p.Pro1032fs; shifts the reading frame from proline 1032.
Molecular consequence: frameshift variant.
Genome position: GRCh38 VCF-style: chr14-21328622-C-CT. GRCh37 (hg19) VCF-style: chr14-21796781-C-CT.
Other names: c.1072_1073insT, p.Pro358fs (NM_001377523.1, NM_001377950.1); c.2020_2021insT, p.Pro674fs (NM_001377948.1); c.1180_1181insT, p.Pro394fs (NM_001377949.1); c.574_575insT, p.Pro192fs (NM_001377951.1); short protein forms P1032fs, P192fs, P358fs, P674fs, P394fs.
Identifiers: ClinVar variation 2180372 (VCV002180372.4), dbSNP rs774271975, ClinGen allele CA257536366.

ClinVar aggregate classification (germline): Pathogenic (1 of 4 stars; one submission).

Conditions:
Leber congenital amaurosis 6 (LCA6). Identifiers: Orphanet 65, MedGen C1854260, MONDO:0013446, OMIM 613826.
Cone-rod dystrophy 13 (CORD13). Identifiers: Orphanet 1872, MedGen C2750720, MONDO:0011987, OMIM 608194.

Allele frequency attached by ClinVar (database versions not stated): gnomAD exomes 0.00002.

Submission:

Labcorp Genetics (formerly Invitae), Labcorp
Classification: Pathogenic for Leber congenital amaurosis 6; Cone-rod dystrophy 13. Last evaluated: 2022-11-26. Review status: criteria provided, single submitter. Criteria: Invitae Variant Classification Sherloc (09022015). Collection method: clinical testing. Allele origin: germline.
Comment: For these reasons, this variant has been classified as Pathogenic. This variant has not been reported in the literature in individuals affected with RPGRIP1-related conditions. This variant is not present in population databases (gnomAD no frequency). This sequence change creates a premature translational stop signal (p.Pro1032Leufs*8) in the RPGRIP1 gene. It is expected to result in an absent or disrupted protein product. Loss-of-function variants in RPGRIP1 are known to be pathogenic (PMID: 11528500, 23105016).

Literature cited by the submitters: PubMed 11528500; PubMed 23105016.